The following is an entry in ClinVar:

NC_000009.11:g.(?_97863989)_(98270643_?)del

Genes: FANCC (FA complementation group C; minus strand), PTCH1 (patched 1; minus strand). Cytogenetic location: 9q22.32.
Variant type: Deletion.
Identifiers: ClinVar variation 3245043 (VCV003245043.1).

ClinVar aggregate classification (germline): Pathogenic (1 of 4 stars; one submission).

Conditions:
Gorlin syndrome. Also called: Basal cell nevus syndrome; Nevoid Basal Cell Carcinoma Syndrome. Identifiers: Orphanet 377, MedGen C0004779, MONDO:0007187.

Submission:

Labcorp Genetics (formerly Invitae), Labcorp
Classification: Pathogenic for Gorlin syndrome. Last evaluated: 2023-12-19. Review status: criteria provided, single submitter. Criteria: Invitae Variant Classification Sherloc (09022015). Collection method: clinical testing. Allele origin: unknown.
Comment: A gross deletion of the genomic region encompassing the full coding sequence of the PTCH1 gene has been identified. Loss-of-function variants in PTCH1 are known to be pathogenic (PMID: 16301862, 16419085). The boundaries of this event are unknown as they extend beyond the assayed region for this gene and therefore may encompass additional genes. A similar copy number variant has been observed in individual(s) with Gorlin syndrome (PMID: 17703323, 22382802). For these reasons, this variant has been classified as Pathogenic.

Literature cited by the submitters: PubMed 16301862; PubMed 16419085; PubMed 17703323; PubMed 22382802.